The following is an entry in ClinVar:

NM_000159.4(GCDH):c.419C>T (p.Ala140Val)

Gene: GCDH (glutaryl-CoA dehydrogenase; plus strand). Cytogenetic location: 19p13.13.
Variant type: single nucleotide variant.
Coding change: c.419C>T on transcript NM_000159.4 (MANE Select); coding-DNA position 419, C replaced by T.
Protein change: p.Ala140Val; replaces alanine 140 with valine.
Molecular consequence: missense variant. On other transcripts: non-coding transcript variant (2).
Genome position (GRCh38, 1-based): chr19:12,893,567, C>T. VCF-style: chr19-12893567-C-T. GRCh37 (hg19) VCF-style: chr19-13004381-C-T.
Other names: c.419C>T (NM_000159.2); c.419C>T, p.Ala140Val (NM_013976.5); short protein forms A140V.
Identifiers: ClinVar variation 1440514 (VCV001440514.6), dbSNP rs762052524, ClinGen allele CA9234387.

ClinVar aggregate classification (germline): Uncertain significance. Review status: criteria provided, multiple submitters, no conflicts (2 of 4 stars). 2 submissions from 2 submitters: Uncertain significance (2). Last evaluated 2022-07-12.

Conditions:
Inborn genetic diseases. Identifiers: MedGen C0950123, MeSH D030342.
Glutaric aciduria, type 1. Also called: Glutaric Acidemia Type 1; GA I; Glutaricacidemia Type 1; Glutaric acidemia type I; Glutaryl-CoA dehydrogenase deficiency; Glutaricaciduria, type I. Identifiers: Orphanet 25, MedGen C0268595, MONDO:0009281, OMIM 231670.

Allele frequency attached by ClinVar (database versions not stated): gnomAD 0.00001; TOPMed 0.00001; gnomAD exomes 0.00002 and 0.00003; ExAC 0.00006.
gnomAD v4.1: 26 of 1,613,606 alleles (0.0016%); highest among the groups gnomAD compares: Admixed American, 0.0033%; no homozygotes.

Submissions (2):

Labcorp Genetics (formerly Invitae), Labcorp
Classification: Uncertain significance for Glutaric aciduria, type 1. Last evaluated: 2022-07-12. Review status: criteria provided, single submitter. Criteria: Invitae Variant Classification Sherloc (09022015). Collection method: clinical testing. Allele origin: germline.
Comment: This sequence change replaces alanine, which is neutral and non-polar, with valine, which is neutral and non-polar, at codon 140 of the GCDH protein (p.Ala140Val). This variant is present in population databases (rs762052524, gnomAD 0.005%). This variant has not been reported in the literature in individuals affected with GCDH-related conditions. ClinVar contains an entry for this variant (Variation ID: 1440514). Advanced modeling of protein sequence and biophysical properties (such as structural, functional, and spatial information, amino acid conservation, physicochemical variation, residue mobility, and thermodynamic stability) performed at Invitae indicates that this missense variant is expected to disrupt GCDH protein function. Algorithms developed to predict the effect of sequence changes on RNA splicing suggest that this variant may create or strengthen a splice site. In summary, the available evidence is currently insufficient to determine the role of this variant in disease. Therefore, it has been classified as a Variant of Uncertain Significance.

Ambry Genetics
Classification: Uncertain significance for Inborn genetic diseases. Last evaluated: 2022-01-04. Review status: criteria provided, single submitter. Criteria: Ambry Variant Classification Scheme 2023. Collection method: clinical testing. Allele origin: germline.